The following is an entry in ClinVar:

ClinVar aggregate classification (germline): Conflicting classifications of pathogenicity. Review status: criteria provided, conflicting classifications (1 of 4 stars). 6 submissions from 6 submitters: Uncertain significance (4); Likely benign (1). 1 of the submissions does not count toward it. Last evaluated 2024-11-21.

Conditions:
Neurodevelopmental disorder and structural brain anomalies with or without seizures and spasticity. Identifiers: MedGen C5394423, MONDO:0030046, OMIM 618890.
Global developmental delay (DD). Also called: Cognitive delay. Identifiers: MedGen C0557874, HP:0001263. Disease mechanism: loss of function.
Brain atrophy. Identifiers: MedGen C4551584, HP:0012444.
Neurodevelopmental disorder. Identifiers: MedGen C1535926, MeSH D065886, MONDO:0700092.

Allele frequency attached by ClinVar (database versions not stated): gnomAD exomes below 0.00001 and 0.00003; TOPMed 0.00001; gnomAD 0.00003 and 0.00004.
gnomAD v4.1: 49 of 1,609,184 alleles (0.003%); highest among the groups gnomAD compares: Middle Eastern, 0.082%; no homozygotes.

Submissions (6):

Blueprint Genetics
Classification: Uncertain significance. Last evaluated: 2024-11-21. Review status: criteria provided, single submitter. Criteria: ACMG Guidelines, 2015. Collection method: clinical testing. Allele origin: germline.

3billion
Classification: Likely benign for Neurodevelopmental disorder and structural brain anomalies with or without seizures and spasticity. Last evaluated: 2024-09-20. Review status: criteria provided, single submitter. Criteria: ACMG Guidelines, 2015. Collection method: clinical testing. Allele origin: germline. Affected: no.
Comment: The homozygous variant was found in patients diagnosed with another variant in a different gene, with no symptoms related to the gene containing the homozygous variant.

Intergen Genetics and Rare Diseases Diagnosis Center
Classification: Uncertain significance for Neurodevelopmental disorder and structural brain anomalies with or without seizures and spasticity. Last evaluated: 2023-08-15. Review status: criteria provided, single submitter. Criteria: ACMG Guidelines, 2015. Collection method: clinical testing. Allele origin: germline. Inheritance: Autosomal recessive inheritance. Affected: no. Observed: 1 heterozygote.

Laboratory of Molecular Genetics (Pr. Bezieau's lab), CHU de Nantes
Classification: Uncertain significance for Neurodevelopmental disorder. Last evaluated: 2023-01-20. Review status: criteria provided, single submitter. Criteria: ACMG Guidelines, 2015. Collection method: clinical testing. Allele origin: germline. Affected: yes.

Labcorp Genetics (formerly Invitae), Labcorp
Classification: Uncertain significance. Last evaluated: 2022-10-17. Review status: criteria provided, single submitter. Criteria: Invitae Variant Classification Sherloc (09022015). Collection method: clinical testing. Allele origin: germline.
Comment: This sequence change replaces histidine, which is basic and polar, with tyrosine, which is neutral and polar, at codon 894 of the PTPN23 protein (p.His894Tyr). The frequency data for this variant in the population databases is considered unreliable, as metrics indicate poor data quality at this position in the gnomAD database. This missense change has been observed in individual(s) with clinical features of PTPN23-related conditions (PMID: 31395947). ClinVar contains an entry for this variant (Variation ID: 636313). Algorithms developed to predict the effect of missense changes on protein structure and function output the following: SIFT: "Tolerated"; PolyPhen-2: "Not Available"; Align-GVGD: "Class C0". The tyrosine amino acid residue is found in multiple mammalian species, which suggests that this missense change does not adversely affect protein function. In summary, the available evidence is currently insufficient to determine the role of this variant in disease. Therefore, it has been classified as a Variant of Uncertain Significance.

Regeneron Genetics Center, Regeneron
Classification: Likely pathogenic for Global developmental delay; Brain atrophy. Last evaluated: 2019-02-15. Review status: no assertion criteria provided. Collection method: research. Allele origin: germline. Affected: yes. Not counted in ClinVar's aggregate classification.
Comment: Identified in cohort of patients with neurodevelopmental disorder accompanied by structural brain abnormalities

Literature cited by the submitters: PubMed 31395947 (cited by Labcorp Genetics (formerly Invitae), Labcorp).

NM_015466.4(PTPN23):c.2680C>T (p.His894Tyr)

Gene: PTPN23 (protein tyrosine phosphatase non-receptor type 23; plus strand). Cytogenetic location: 3p21.31.
Variant type: single nucleotide variant.
Coding change: c.2680C>T on transcript NM_015466.4 (MANE Select); coding-DNA position 2680, C replaced by T.
Protein change: p.His894Tyr; replaces histidine 894 with tyrosine.
Molecular consequence: missense variant.
Genome position (GRCh38, 1-based): chr3:47,410,478, C>T. VCF-style: chr3-47410478-C-T. GRCh37 (hg19) VCF-style: chr3-47451968-C-T.
Other names: c.2302C>T, p.His768Tyr (NM_001304482.2); short protein forms H894Y, H768Y.
Identifiers: ClinVar variation 636313 (VCV000636313.10), dbSNP rs967738491, ClinGen allele CA73880603.